The following is an entry in ClinVar:

ClinVar aggregate classification (germline): Uncertain significance (1 of 4 stars; one submission).

Allele frequency attached by ClinVar (database versions not stated): gnomAD exomes below 0.00001 and 0.00001; TOPMed below 0.00001; ExAC 0.00001.
gnomAD v4.1: 7 of 1,613,598 alleles (0.00043%); highest among the groups gnomAD compares: South Asian, 0.0055%; no homozygotes.

Submission:

Labcorp Genetics (formerly Invitae), Labcorp
Classification: Uncertain significance. Last evaluated: 2022-07-11. Review status: criteria provided, single submitter. Criteria: Invitae Variant Classification Sherloc (09022015). Collection method: clinical testing. Allele origin: germline.
Comment: In summary, the available evidence is currently insufficient to determine the role of this variant in disease. Therefore, it has been classified as a Variant of Uncertain Significance. Algorithms developed to predict the effect of missense changes on protein structure and function (SIFT, PolyPhen-2, Align-GVGD) all suggest that this variant is likely to be tolerated. ClinVar contains an entry for this variant (Variation ID: 964384). This variant has not been reported in the literature in individuals affected with PDE6B-related conditions. This variant is present in population databases (rs767951010, gnomAD 0.003%). This sequence change replaces lysine, which is basic and polar, with glutamic acid, which is acidic and polar, at codon 805 of the PDE6B protein (p.Lys805Glu).

NM_000283.4(PDE6B):c.2413A>G (p.Lys805Glu)

Gene: PDE6B (phosphodiesterase 6B; plus strand). Cytogenetic location: 4p16.3.
Variant type: single nucleotide variant.
Coding change: c.2413A>G on transcript NM_000283.4 (MANE Select); coding-DNA position 2413, A replaced by G.
Protein change: p.Lys805Glu; replaces lysine 805 with glutamic acid.
Molecular consequence: missense variant.
Genome position (GRCh38, 1-based): chr4:667,916, A>G. VCF-style: chr4-667916-A-G. GRCh37 (hg19) VCF-style: chr4-661705-A-G.
Other names: c.2413A>G, p.Lys805Glu (NM_001145291.2); c.1576A>G, p.Lys526Glu (NM_001145292.2, NM_001350154.3, NM_001379246.1 and 1 more transcripts); c.1258A>G, p.Lys420Glu (NM_001350155.3); short protein forms K805E, K526E, K420E.
Identifiers: ClinVar variation 964384 (VCV000964384.9), dbSNP rs767951010, ClinGen allele CA2795054.